The following is an entry in ClinVar:

ClinVar aggregate classification (germline): Conflicting classifications of pathogenicity. Review status: criteria provided, conflicting classifications (1 of 4 stars). 2 submissions from 2 submitters: Pathogenic (1); Uncertain significance (1). Last evaluated 2024-05-23.

Allele frequency attached by ClinVar (database versions not stated): gnomAD exomes below 0.00001; ExAC 0.00001.
gnomAD v4.1: 2 of 1,614,048 alleles (0.00012%); highest among the groups gnomAD compares: East Asian, 0.0022%; no homozygotes.

Submissions (2):

Labcorp Genetics (formerly Invitae), Labcorp
Classification: Pathogenic. Last evaluated: 2024-05-23. Review status: criteria provided, single submitter. Criteria: Invitae Variant Classification Sherloc (09022015). Collection method: clinical testing. Allele origin: germline.
Comment: This sequence change creates a premature translational stop signal (p.Arg125*) in the IDH3A gene. It is expected to result in an absent or disrupted protein product. Loss-of-function variants in IDH3A are known to be pathogenic (PMID: 28412069). This variant is present in population databases (rs753999676, gnomAD 0.006%). This variant has not been reported in the literature in individuals affected with IDH3A-related conditions. ClinVar contains an entry for this variant (Variation ID: 2026541). Algorithms developed to predict the effect of sequence changes on RNA splicing suggest that this variant may create or strengthen a splice site. For these reasons, this variant has been classified as Pathogenic.

Blueprint Genetics
Classification: Uncertain significance. Last evaluated: 2021-05-28. Review status: criteria provided, single submitter. Criteria: ACMG Guidelines, 2015. Collection method: clinical testing. Allele origin: germline.

Literature cited by the submitters: PubMed 28412069 (cited by Labcorp Genetics (formerly Invitae), Labcorp).

NM_005530.3(IDH3A):c.373C>T (p.Arg125Ter)

Gene: IDH3A (isocitrate dehydrogenase (NAD(+)) 3 catalytic subunit alpha; plus strand). Cytogenetic location: 15q25.1.
Variant type: single nucleotide variant.
Coding change: c.373C>T on transcript NM_005530.3 (MANE Select); coding-DNA position 373, C replaced by T.
Protein change: p.Arg125Ter; replaces arginine 125 with a stop codon.
Molecular consequence: nonsense.
Genome position (GRCh38, 1-based): chr15:78,161,664, C>T. VCF-style: chr15-78161664-C-T. GRCh37 (hg19) VCF-style: chr15-78454006-C-T.
Other names: short protein forms R125*.
Identifiers: ClinVar variation 2026541 (VCV002026541.5), dbSNP rs753999676, ClinGen allele CA7680555.